The following is an entry in ClinVar:

NM_004525.3(LRP2):c.4295-2A>G

Gene: LRP2 (LDL receptor related protein 2; minus strand). Cytogenetic location: 2q31.1.
Variant type: single nucleotide variant.
Coding change: c.4295-2A>G on transcript NM_004525.3 (MANE Select); the canonical splice acceptor site of the intron before coding-DNA position 4295, A replaced by G.
Molecular consequence: splice acceptor variant.
Genome position (GRCh38, 1-based): chr2:169,238,304, T>C on the plus strand (A>G on the coding strand, the complement: LRP2 is on the minus strand). VCF-style: chr2-169238304-T-C. GRCh37 (hg19) VCF-style: chr2-170094814-T-C.
Identifiers: ClinVar variation 423566 (VCV000423566.2), dbSNP rs1064796497, ClinGen allele CA16617323.

ClinVar aggregate classification (germline): Likely pathogenic (1 of 4 stars; one submission).

Submission:

GeneDx
Classification: Likely pathogenic. Last evaluated: 2017-02-09. Review status: criteria provided, single submitter. Criteria: GeneDx Variant Classification (06012015). Collection method: clinical testing. Allele origin: germline. Affected: yes.
Comment: The c.4295-2A>G variant in the LRP2 gene has not been reported previously as a pathogenic variant nor as a benign variant, to our knowledge. This splice site variant destroys the canonical splice acceptor site in intron 26. It is predicted to cause abnormal gene splicing, either leading to an abnormal message that is subject to nonsense-mediated mRNA decay, or to an abnormal protein product if the message is used for protein translation. The c.4295-2A>G variant is not observed in large population cohorts (Lek et al., 2016; 1000 Genomes Consortium et al., 2015; Exome Variant Server). We interpret c.4295-2A>G as a likely pathogenic variant.